The following is an entry in ClinVar:

ClinVar aggregate classification (germline): Uncertain significance (1 of 4 stars; one submission).

Conditions:
Combined immunodeficiency due to DOCK8 deficiency (HIES2). Also called: HIES autosomal recessive; HYPER-IgE RECURRENT INFECTION SYNDROME 2, AUTOSOMAL RECESSIVE; HYPER-IgE SYNDROME 2, AUTOSOMAL RECESSIVE, WITH RECURRENT INFECTIONS; Hyper-IgE recurrent infection syndrome, autosomal recessive; DOCK8 Deficiency. Identifiers: Orphanet 217390, MedGen C4722305, MONDO:0009478, OMIM 243700.

Allele frequency attached by ClinVar (database versions not stated): TOPMed below 0.00001; gnomAD 0.00001.
gnomAD v4.1: 10 of 1,613,614 alleles (0.00062%); highest among the groups gnomAD compares: African/African-American, 0.0027%; no homozygotes.

Submission:

Labcorp Genetics (formerly Invitae), Labcorp
Classification: Uncertain significance for Combined immunodeficiency due to DOCK8 deficiency. Last evaluated: 2022-08-09. Review status: criteria provided, single submitter. Criteria: Invitae Variant Classification Sherloc (09022015). Collection method: clinical testing. Allele origin: germline.
Comment: This sequence change replaces histidine, which is basic and polar, with arginine, which is basic and polar, at codon 700 of the DOCK8 protein (p.His700Arg). This variant is present in population databases (rs746720608, gnomAD 0.007%). This variant has not been reported in the literature in individuals affected with DOCK8-related conditions. ClinVar contains an entry for this variant (Variation ID: 946029). Algorithms developed to predict the effect of missense changes on protein structure and function are either unavailable or do not agree on the potential impact of this missense change (SIFT: "Tolerated"; PolyPhen-2: "Probably Damaging"; Align-GVGD: "Class C0"). In summary, the available evidence is currently insufficient to determine the role of this variant in disease. Therefore, it has been classified as a Variant of Uncertain Significance.

NM_203447.4(DOCK8):c.2099A>G (p.His700Arg)

Gene: DOCK8 (dedicator of cytokinesis 8; plus strand). Cytogenetic location: 9p24.3.
Variant type: single nucleotide variant.
Coding change: c.2099A>G on transcript NM_203447.4 (MANE Select); coding-DNA position 2099, A replaced by G.
Protein change: p.His700Arg; replaces histidine 700 with arginine.
Molecular consequence: missense variant.
Genome position (GRCh38, 1-based): chr9:372,276, A>G. VCF-style: chr9-372276-A-G. GRCh37 (hg19) VCF-style: chr9-372276-A-G.
Other names: c.1895A>G, p.His632Arg (NM_001190458.2, NM_001193536.2); short protein forms H632R, H700R.
Identifiers: ClinVar variation 946029 (VCV000946029.7), dbSNP rs746720608, ClinGen allele CA4958067.